The following is an entry in ClinVar:

NM_001290043.2(TAP2):c.1800A>C (p.Val600=)

Gene: TAP2 (transporter 2, ATP binding cassette subfamily B member; minus strand). Cytogenetic location: 6p21.32.
Variant type: single nucleotide variant.
Coding change: c.1800A>C on transcript NM_001290043.2 (MANE Select); coding-DNA position 1800, A replaced by C.
Protein change: p.Val600=; no amino-acid change (valine 600 retained).
Molecular consequence: synonymous variant.
Genome position (GRCh38, 1-based): chr6:32,829,532, T>G on the plus strand (A>C on the coding strand, the complement: TAP2 is on the minus strand). VCF-style: chr6-32829532-T-G. GRCh37 (hg19) VCF-style: chr6-32797309-T-G.
Other names: c.1800A>C, p.Val600= (NM_000544.3, NM_018833.3).
Identifiers: ClinVar variation 403514 (VCV000403514.16), dbSNP rs2229527, ClinGen allele CA3745789.

ClinVar aggregate classification (germline): Benign. Review status: criteria provided, multiple submitters, no conflicts (2 of 4 stars). 4 submissions from 4 submitters: Benign (3). 1 of the submissions does not count toward it. Last evaluated 2026-02-03.

Conditions:
MHC class I deficiency. Identifiers: Orphanet 34592, MedGen C6024714, MONDO:0011476.
TAP2-related disorder. Also called: TAP2-related condition.

Allele frequency attached by ClinVar (database versions not stated): gnomAD exomes 0.05097; 1000 Genomes Project 0.05811; TOPMed 0.06123; gnomAD 0.06450 and 0.06729; ExAC 0.05479; 1000 Genomes Project 30x 0.06059; ESP Exome Variant Server 0.06781.

Submissions (4):

Labcorp Genetics (formerly Invitae), Labcorp
Classification: Benign for MHC class I deficiency 1. Last evaluated: 2026-02-03. Review status: criteria provided, single submitter. Criteria: Invitae Variant Classification Sherloc (09022015). Collection method: clinical testing. Allele origin: germline.

Women's Health and Genetics/Laboratory Corporation of America, LabCorp
Classification: Benign. Last evaluated: 2026-01-21. Review status: criteria provided, single submitter. Criteria: LabCorp Variant Classification Summary - May 2015. Collection method: clinical testing. Allele origin: germline.

Laboratory for Molecular Medicine, Mass General Brigham Personalized Medicine
Classification: Benign. Last evaluated: 2016-03-28. Review status: criteria provided, single submitter. Criteria: LMM Criteria. Collection method: clinical testing. Allele origin: germline.
Comment: Variant identified in a genome or exome case(s) and assessed due to predicted null impact of the variant or pathogenic assertions in the literature or databases. Disclaimer: This variant has not undergone full assessment. The following are preliminary notes: Frequency

PreventionGenetics, part of Exact Sciences
Classification: Benign for TAP2-related condition. Last evaluated: 2019-07-08. Review status: no assertion criteria provided. Collection method: clinical testing. Allele origin: germline. Not counted in ClinVar's aggregate classification.
Comment: This variant is classified as benign based on ACMG/AMP sequence variant interpretation guidelines (Richards et al. 2015 PMID: 25741868, with internal and published modifications).